The following is an entry in ClinVar:

ClinVar aggregate classification (germline): Uncertain significance. Review status: criteria provided, multiple submitters, no conflicts (2 of 4 stars). 2 submissions from 2 submitters: Uncertain significance (2). Last evaluated 2023-05-01.

gnomAD v4.1: 6 of 1,613,878 alleles (0.00037%); highest among the groups gnomAD compares: Non-Finnish European, 0.00051%; no homozygotes.

Submissions (2):

CeGaT Center for Human Genetics Tuebingen
Classification: Uncertain significance. Last evaluated: 2023-05-01. Review status: criteria provided, single submitter. Criteria: CeGaT Center For Human Genetics Tuebingen Variant Classification Criteria Version 2. Collection method: clinical testing. Allele origin: germline. Affected: yes. Observed: 1 variant allele.

Labcorp Genetics (formerly Invitae), Labcorp
Classification: Uncertain significance. Last evaluated: 2023-03-24. Review status: criteria provided, single submitter. Criteria: Invitae Variant Classification Sherloc (09022015). Collection method: clinical testing. Allele origin: germline.
Comment: In summary, the available evidence is currently insufficient to determine the role of this variant in disease. Therefore, it has been classified as a Variant of Uncertain Significance. This sequence change replaces isoleucine, which is neutral and non-polar, with threonine, which is neutral and polar, at codon 389 of the IRF2BP2 protein (p.Ile389Thr). This variant is present in population databases (no rsID available, gnomAD 0.0009%). This variant has not been reported in the literature in individuals affected with IRF2BP2-related conditions. ClinVar contains an entry for this variant (Variation ID: 1470980). An algorithm developed to predict the effect of missense changes on protein structure and function (PolyPhen-2) suggests that this variant is likely to be disruptive.

NM_182972.3(IRF2BP2):c.1166T>C (p.Ile389Thr)

Gene: IRF2BP2 (interferon regulatory factor 2 binding protein 2; minus strand). Cytogenetic location: 1q42.3.
Variant type: single nucleotide variant.
Coding change: c.1166T>C on transcript NM_182972.3 (MANE Select); coding-DNA position 1166, T replaced by C.
Protein change: p.Ile389Thr; replaces isoleucine 389 with threonine.
Molecular consequence: missense variant.
Genome position (GRCh38, 1-based): chr1:234,607,735, A>G on the plus strand (T>C on the coding strand, the complement: IRF2BP2 is on the minus strand). VCF-style: chr1-234607735-A-G. GRCh37 (hg19) VCF-style: chr1-234743481-A-G.
Other names: c.1118T>C, p.Ile373Thr (NM_001077397.1); short protein forms I373T, I389T.
Identifiers: ClinVar variation 1470980 (VCV001470980.32), dbSNP rs770470592, ClinGen allele CA345306806.